The following is an entry in ClinVar:

NM_002439.5(MSH3):c.359-2A>G

Gene: MSH3 (mutS homolog 3; plus strand). Cytogenetic location: 5q14.1.
Variant type: single nucleotide variant.
Coding change: c.359-2A>G on transcript NM_002439.5 (MANE Select); the canonical splice acceptor site of the intron before coding-DNA position 359, A replaced by G.
Molecular consequence: splice acceptor variant.
Genome position (GRCh38, 1-based): chr5:80,665,141, A>G. VCF-style: chr5-80665141-A-G. GRCh37 (hg19) VCF-style: chr5-79960960-A-G.
Identifiers: ClinVar variation 2092768 (VCV002092768.5), dbSNP rs1457778017, ClinGen allele CA360262877.

ClinVar aggregate classification (germline): Likely pathogenic. Review status: criteria provided, multiple submitters, no conflicts (2 of 4 stars). 2 submissions from 2 submitters: Likely pathogenic (2). Last evaluated 2023-08-29.

Conditions:
Familial adenomatous polyposis 4 (FAP4). Also called: MSH3-related attenuated familial adenomatous polyposis. Identifiers: Orphanet 480536, MedGen C4310719, MONDO:0044300, OMIM 617100.

Allele frequency attached by ClinVar (database versions not stated): TOPMed below 0.00001; gnomAD 0.00001.
gnomAD v4.1: 1 of 1,613,236 alleles (0.000062%); highest among the groups gnomAD compares: Non-Finnish European, 0.000085%; no homozygotes.

Submissions (2):

Myriad Genetics, Inc.
Classification: Likely pathogenic for Familial adenomatous polyposis 4. Last evaluated: 2023-08-29. Review status: criteria provided, single submitter. Criteria: Myriad Autosomal Dominant, Autosomal Recessive and X-Linked Classification Criteria (2023). Collection method: clinical testing. Allele origin: unknown.
Comment: This variant is considered likely pathogenic. This variant occurs within a consensus splice junction and is predicted to result in abnormal mRNA splicing of either an out-of-frame exon or an in-frame exon necessary for protein stability and/or normal function.

Labcorp Genetics (formerly Invitae), Labcorp
Classification: Likely pathogenic. Last evaluated: 2022-02-04. Review status: criteria provided, single submitter. Criteria: Invitae Variant Classification Sherloc (09022015). Collection method: clinical testing. Allele origin: germline.
Comment: In summary, the currently available evidence indicates that the variant is pathogenic, but additional data are needed to prove that conclusively. Therefore, this variant has been classified as Likely Pathogenic. Algorithms developed to predict the effect of sequence changes on RNA splicing suggest that this variant may disrupt the consensus splice site. This variant has not been reported in the literature in individuals affected with MSH3-related conditions. This variant is present in population databases (no rsID available, gnomAD 0.007%). This sequence change affects an acceptor splice site in intron 2 of the MSH3 gene. It is expected to disrupt RNA splicing. Variants that disrupt the donor or acceptor splice site typically lead to a loss of protein function (PMID: 16199547), and loss-of-function variants in MSH3 are known to be pathogenic (PMID: 27476653).

Literature cited by the submitters: PubMed 16199547 (cited by Labcorp Genetics (formerly Invitae), Labcorp); PubMed 27476653 (cited by Labcorp Genetics (formerly Invitae), Labcorp).